The following is an entry in ClinVar:

NM_001171613.2(PREPL):c.-49+1883G>T

Gene: PREPL (prolyl endopeptidase like; minus strand). Cytogenetic location: 2p21.
Variant type: single nucleotide variant.
Coding change: c.-49+1883G>T on transcript NM_001171613.2 (MANE Select); 1883 bases into the intron after 49 bases upstream of the start codon, G replaced by T.
Molecular consequence: intron variant. On other transcripts: missense variant (7).
Genome position (GRCh38, 1-based): chr2:44,359,497, C>A on the plus strand (G>T on the coding strand, the complement: PREPL is on the minus strand). VCF-style: chr2-44359497-C-A. GRCh37 (hg19) VCF-style: chr2-44586636-C-A.
Other names: c.219G>T, p.Lys73Asn (NM_001042385.2, NM_001042386.2, NM_001171603.1 and 4 more transcripts); c.-49+2027G>T (NM_001171617.1); c.-49+1920G>T (NM_001374277.1); short protein forms K73N.
Identifiers: ClinVar variation 436415 (VCV000436415.11), dbSNP rs199854790, ClinGen allele CA1641718.
Genomic context (GRCh38, chr2:44,359,497, plus strand): 5'-ATTTTTAAATTAAAATTAATCTTAATGACCTACAAATAGGTTAACTTAAACAGTCCATAC[C>A]TTACATGAGAAGCTCCGACTTGGGATGTTTCTTGCTAACTCTGATATCTTGGGTTTATTC-3'

ClinVar aggregate classification (germline): Conflicting classifications of pathogenicity. Review status: criteria provided, conflicting classifications (1 of 4 stars). 3 submissions from 3 submitters: Uncertain significance (1); Likely benign (2). Last evaluated 2026-02-11.

Conditions:
PREPL-related disorder. Also called: PREPL-related condition.
Myasthenic syndrome, congenital, 22 (CMS22). Also called: PREPL DEFICIENCY. Identifiers: MedGen C4479088, MONDO:0044299, OMIM 616224.

Allele frequency attached by ClinVar (database versions not stated): TOPMed 0.00002; ESP Exome Variant Server 0.00008; gnomAD exomes 0.00014 and 0.00037; 1000 Genomes Project 30x 0.00016; 1000 Genomes Project 0.00020; gnomAD 0.00025 and 0.00027; ExAC 0.00033.
gnomAD v4.1: 253 of 1,600,068 alleles (0.016%); highest among the groups gnomAD compares: Non-Finnish European, 0.0022%; 1 homozygote.

Submissions (3):

PreventionGenetics, part of Exact Sciences
Classification: Likely benign for PREPL-related condition. Last evaluated: 2026-02-11. Review status: criteria provided, single submitter. Criteria: ACMG Guidelines, 2015. Collection method: clinical testing. Allele origin: germline.
Comment: This variant is classified as likely benign based on ACMG/AMP sequence variant interpretation guidelines (Richards et al. 2015 PMID: 25741868, with internal and published modifications).

Labcorp Genetics (formerly Invitae), Labcorp
Classification: Likely benign for Myasthenic syndrome, congenital, 22. Last evaluated: 2024-10-16. Review status: criteria provided, single submitter. Criteria: Invitae Variant Classification Sherloc (09022015). Collection method: clinical testing. Allele origin: germline.

Genetic Services Laboratory, University of Chicago
Classification: Uncertain significance. Last evaluated: 2017-02-02. Review status: criteria provided, single submitter. Criteria: ACMG Guidelines, 2015. Collection method: clinical testing. Allele origin: germline. Affected: no.